The following is an entry in ClinVar:

ClinVar aggregate classification (germline): Uncertain significance. Review status: criteria provided, multiple submitters, no conflicts (2 of 4 stars). 2 submissions from 2 submitters: Uncertain significance (2). Last evaluated 2025-11-13.

gnomAD v4.1: 140 of 1,612,366 alleles (0.0087%); highest among the groups gnomAD compares: South Asian, 0.14%; 2 homozygotes.

Submissions (2):

Labcorp Genetics (formerly Invitae), Labcorp
Classification: Uncertain significance. Last evaluated: 2025-11-13. Review status: criteria provided, single submitter. Criteria: Invitae Variant Classification Sherloc (09022015). Collection method: clinical testing. Allele origin: germline.
Comment: This sequence change replaces glutamic acid, which is acidic and polar, with lysine, which is basic and polar, at codon 463 of the ITSN2 protein (p.Glu463Lys). This variant is present in population databases (rs749396727, gnomAD 0.1%), and has an allele count higher than expected for a pathogenic variant. This variant has not been reported in the literature in individuals affected with ITSN2-related conditions. ClinVar contains an entry for this variant (Variation ID: 4088994). Experimental studies and prediction algorithms are not available or were not evaluated, and the functional significance of this variant is currently unknown. In summary, the available evidence is currently insufficient to determine the role of this variant in disease. Therefore, it has been classified as a Variant of Uncertain Significance.

Ambry Genetics
Classification: Uncertain significance. Last evaluated: 2025-06-18. Review status: criteria provided, single submitter. Criteria: Ambry Variant Classification Scheme 2023. Collection method: clinical testing. Allele origin: germline.

NM_006277.3(ITSN2):c.1387G>A (p.Glu463Lys)

Gene: ITSN2 (intersectin 2; minus strand). Cytogenetic location: 2p23.3.
Variant type: single nucleotide variant.
Coding change: c.1387G>A on transcript NM_006277.3 (MANE Select); coding-DNA position 1387, G replaced by A.
Protein change: p.Glu463Lys; replaces glutamic acid 463 with lysine.
Molecular consequence: missense variant.
Genome position (GRCh38, 1-based): chr2:24,298,772, C>T on the plus strand (G>A on the coding strand, the complement: ITSN2 is on the minus strand). VCF-style: chr2-24298772-C-T. GRCh37 (hg19) VCF-style: chr2-24521641-C-T.
Other names: c.1345G>A, p.Glu449Lys (NM_001348181.2, NM_001348184.2); c.1387G>A, p.Glu463Lys (NM_001348182.2, NM_001348183.2, NM_001348185.2 and 3 more transcripts); short protein forms E449K, E463K.
Identifiers: ClinVar variation 4088994 (VCV004088994.2).
Genomic context (GRCh38, chr2:24,298,772, plus strand): 5'-TGACAATTTCTTCTTGTTCTCTATTCTTTTGATTGAGAAGCTCCTGTCGCCGAATTCTCT[C>T]CCATTCTAAGCGACGTTGTCGTTCAAGTTCCTGTTTTGCTGCCTGAAAAAAAAAAGGAAT-3'
Protein context (NP_006268.2, residues 453-473): ELERQRRLEW[Glu463Lys]RIRRQELLNQ